The following is an entry in ClinVar:

NM_004360.5(CDH1):c.2540C>G (p.Ser847Cys)

Gene: CDH1 (cadherin 1; plus strand). Cytogenetic location: 16q22.1.
Variant type: single nucleotide variant.
Coding change: c.2540C>G on transcript NM_004360.5 (MANE Select); coding-DNA position 2540, C replaced by G.
Protein change: p.Ser847Cys; replaces serine 847 with cysteine.
Molecular consequence: missense variant.
Genome position (GRCh38, 1-based): chr16:68,833,390, C>G. VCF-style: chr16-68833390-C-G. GRCh37 (hg19) VCF-style: chr16-68867293-C-G.
Other names: c.2540C>G (LRG_301t1); c.2357C>G, p.Ser786Cys (NM_001317184.2); c.992C>G, p.Ser331Cys (NM_001317185.2); c.575C>G, p.Ser192Cys (NM_001317186.2); short protein forms S847C, S331C, S786C, S192C.
Identifiers: ClinVar variation 532448 (VCV000532448.14), dbSNP rs1555518249, ClinGen allele CA396472361.

ClinVar aggregate classification (germline): Uncertain significance. Review status: criteria provided, multiple submitters, no conflicts (2 of 4 stars). 2 submissions from 2 submitters: Uncertain significance (2). Last evaluated 2024-06-05.

Conditions:
Hereditary diffuse gastric adenocarcinoma (HDGC). Also called: DIFFUSE GASTRIC AND LOBULAR BREAST CANCER SYNDROME. Identifiers: Orphanet 26106, MedGen C1708349, MONDO:0007648, OMIM 137215.
Hereditary cancer-predisposing syndrome. Also called: Neoplastic Syndromes, Hereditary; Hereditary neoplastic syndrome; Tumor predisposition; Hereditary Cancer Syndrome. Identifiers: Orphanet 140162, MedGen C0027672, MeSH D009386, MONDO:0015356.

Submissions (2):

Ambry Genetics
Classification: Uncertain significance for Hereditary cancer-predisposing syndrome. Last evaluated: 2024-06-05. Review status: criteria provided, single submitter. Criteria: Ambry Variant Classification Scheme 2023. Collection method: clinical testing. Allele origin: germline.
Comment: The p.S847C variant (also known as c.2540C>G), located in coding exon 16 of the CDH1 gene, results from a C to G substitution at nucleotide position 2540. The serine at codon 847 is replaced by cysteine, an amino acid with dissimilar properties. This amino acid position is well conserved in available vertebrate species. In addition, the in silico prediction for this alteration is inconclusive. Based on the available evidence, the clinical significance of this variant remains unclear.

Labcorp Genetics (formerly Invitae), Labcorp
Classification: Uncertain significance for Hereditary diffuse gastric adenocarcinoma. Last evaluated: 2023-11-08. Review status: criteria provided, single submitter. Criteria: Invitae Variant Classification Sherloc (09022015). Collection method: clinical testing. Allele origin: germline.
Comment: This sequence change replaces serine, which is neutral and polar, with cysteine, which is neutral and slightly polar, at codon 847 of the CDH1 protein (p.Ser847Cys). This variant is not present in population databases (gnomAD no frequency). This variant has not been reported in the literature in individuals affected with CDH1-related conditions. ClinVar contains an entry for this variant (Variation ID: 532448). An algorithm developed to predict the effect of missense changes on protein structure and function (PolyPhen-2) suggests that this variant is likely to be disruptive. In summary, the available evidence is currently insufficient to determine the role of this variant in disease. Therefore, it has been classified as a Variant of Uncertain Significance.